The following is an entry in ClinVar:

NM_181882.3(PRX):c.3804C>T (p.Ala1268=)

Gene: PRX (periaxin; minus strand). Cytogenetic location: 19q13.2.
Variant type: single nucleotide variant.
Coding change: c.3804C>T on transcript NM_181882.3 (MANE Select); coding-DNA position 3804, C replaced by T.
Protein change: p.Ala1268=; no amino-acid change (alanine 1268 retained).
Molecular consequence: synonymous variant. On other transcripts: 3 prime UTR variant (1).
Genome position (GRCh38, 1-based): chr19:40,394,548, G>A on the plus strand (C>T on the coding strand, the complement: PRX is on the minus strand). VCF-style: chr19-40394548-G-A. GRCh37 (hg19) VCF-style: chr19-40900455-G-A.
Other names: c.*4009C>T (NM_020956.2).
Identifiers: ClinVar variation 543453 (VCV000543453.13), dbSNP rs553825184, ClinGen allele CA9443782.

ClinVar aggregate classification (germline): Likely benign. Review status: criteria provided, multiple submitters, no conflicts (2 of 4 stars). 4 submissions from 4 submitters: Likely benign (4). Last evaluated 2026-04-16.

Conditions:
Charcot-Marie-Tooth disease type 4. Also called: Charcot-Marie-Tooth disease, type IV; Charcot-Marie-Tooth, Type 4. Identifiers: Orphanet 64749, MedGen C4082197, MONDO:0018995.
PRX-related disorder. Also called: PRX-Related Disorders; PRX-related condition.
Inborn genetic diseases. Identifiers: MedGen C0950123, MeSH D030342.

Allele frequency attached by ClinVar (database versions not stated): gnomAD 0.00009 and 0.00011; TOPMed 0.00010; 1000 Genomes Project 30x 0.00016; 1000 Genomes Project 0.00020.
gnomAD v4.1: 32 of 1,605,860 alleles (0.002%); highest among the groups gnomAD compares: African/African-American, 0.023%; no homozygotes.

Submissions (4):

PreventionGenetics, part of Exact Sciences
Classification: Likely benign for PRX-related condition. Last evaluated: 2026-04-16. Review status: criteria provided, single submitter. Criteria: ACMG Guidelines, 2015. Collection method: clinical testing. Allele origin: germline.
Comment: This variant is classified as likely benign based on ACMG/AMP sequence variant interpretation guidelines (Richards et al. 2015 PMID: 25741868, with internal and published modifications).

Labcorp Genetics (formerly Invitae), Labcorp
Classification: Likely benign for Charcot-Marie-Tooth disease type 4. Last evaluated: 2024-09-23. Review status: criteria provided, single submitter. Criteria: Invitae Variant Classification Sherloc (09022015). Collection method: clinical testing. Allele origin: germline.

Blueprint Genetics
Classification: Likely benign. Last evaluated: 2022-02-14. Review status: criteria provided, single submitter. Criteria: ACMG Guidelines, 2015. Collection method: clinical testing. Allele origin: germline.

Ambry Genetics
Classification: Likely benign for Inborn genetic diseases. Last evaluated: 2019-07-11. Review status: criteria provided, single submitter. Criteria: Ambry Variant Classification Scheme 2023. Collection method: clinical testing. Allele origin: germline.